The following is an entry in ClinVar:

ClinVar aggregate classification (germline): Pathogenic (1 of 4 stars; one submission).

Submission:

Labcorp Genetics (formerly Invitae), Labcorp
Classification: Pathogenic. Last evaluated: 2023-01-19. Review status: criteria provided, single submitter. Criteria: Invitae Variant Classification Sherloc (09022015). Collection method: clinical testing. Allele origin: germline.
Comment: For these reasons, this variant has been classified as Pathogenic. This variant has not been reported in the literature in individuals affected with PDE6B-related conditions. This variant is present in population databases (rs781008395, gnomAD 0.0009%). This sequence change creates a premature translational stop signal (p.Asn614Thrfs*29) in the PDE6B gene. It is expected to result in an absent or disrupted protein product. Loss-of-function variants in PDE6B are known to be pathogenic (PMID: 8394174, 8595886, 22334370).

Literature cited by the submitters: PubMed 8394174; PubMed 8595886; PubMed 22334370.

NM_000283.4(PDE6B):c.1841del (p.Asn614fs)

Gene: PDE6B (phosphodiesterase 6B; plus strand). Cytogenetic location: 4p16.3.
Variant type: Deletion.
Coding change: c.1841del on transcript NM_000283.4 (MANE Select); coding-DNA position 1841, one base deleted (A; older notation c.1841delA).
Protein change: p.Asn614fs; shifts the reading frame from asparagine 614.
Molecular consequence: frameshift variant.
Genome position (GRCh38, 1-based): chr4:663,108, A deleted; the last of 2 consecutive A bases (chr4:663,107-663,108); deleting either gives the same sequence. VCF-style (leftmost placement, unchanged base first): chr4-663106-GA-G. GRCh37 (hg19) VCF-style: chr4-656895-GA-G.
Other names: c.1841del, p.Asn614fs (NM_001145291.2); c.1004del, p.Asn335fs (NM_001145292.2, NM_001350154.3, NM_001379246.1 and 1 more transcripts); c.686del, p.Asn229fs (NM_001350155.3); short protein forms N229fs, N335fs, N614fs.
Identifiers: ClinVar variation 2775530 (VCV002775530.3), dbSNP rs747970185, ClinGen allele CA2794727.